The following is an entry in ClinVar:

NM_206933.4(USH2A):c.11943del (p.Leu3982fs)

Gene: USH2A (usherin; minus strand). Cytogenetic location: 1q41.
Variant type: Deletion.
Coding change: c.11943del on transcript NM_206933.4 (MANE Select); coding-DNA position 11943, one base deleted (T; older notation c.11943delT).
Protein change: p.Leu3982fs; shifts the reading frame from leucine 3982.
Molecular consequence: frameshift variant.
Genome position (GRCh38, 1-based): chr1:215,728,153, A deleted on the plus strand (T on the coding strand, the reverse complement: USH2A is on the minus strand); the first of 2 consecutive A bases (chr1:215,728,153-215,728,154); deleting either gives the same sequence. VCF-style (leftmost placement, unchanged base first): chr1-215728152-GA-G. GRCh37 (hg19) VCF-style: chr1-215901494-GA-G.
Other names: short protein forms L3982fs.
Identifiers: ClinVar variation 3656861 (VCV003656861.2).

ClinVar aggregate classification (germline): Pathogenic (1 of 4 stars; one submission).

Submission:

Labcorp Genetics (formerly Invitae), Labcorp
Classification: Pathogenic. Last evaluated: 2024-06-17. Review status: criteria provided, single submitter. Criteria: Invitae Variant Classification Sherloc (09022015). Collection method: clinical testing. Allele origin: germline.
Comment: This sequence change creates a premature translational stop signal (p.Leu3982Cysfs*2) in the USH2A gene. It is expected to result in an absent or disrupted protein product. Loss-of-function variants in USH2A are known to be pathogenic (PMID: 10729113, 10909849, 20507924, 25649381). This variant is not present in population databases (gnomAD no frequency). This variant has not been reported in the literature in individuals affected with USH2A-related conditions. For these reasons, this variant has been classified as Pathogenic.

Literature cited by the submitters: PubMed 10729113; PubMed 10909849; PubMed 20507924; PubMed 25649381.